The following is an entry in ClinVar:

ClinVar aggregate classification (germline): Uncertain significance (1 of 4 stars; one submission).

gnomAD v4.1: 11 of 1,613,106 alleles (0.00068%); highest among the groups gnomAD compares: Admixed American, 0.0067%; no homozygotes.

Submission:

Women's Health and Genetics/Laboratory Corporation of America, LabCorp
Classification: Uncertain significance. Last evaluated: 2024-08-21. Review status: criteria provided, single submitter. Criteria: LabCorp Variant Classification Summary - May 2015. Collection method: clinical testing. Allele origin: germline.
Comment: Variant summary: CACNA1I c.4366C>T (p.Arg1456Cys) results in a non-conservative amino acid change in the encoded protein sequence. Five of five in-silico tools predict a damaging effect of the variant on protein function. The variant allele was found at a frequency of 2e-05 in 248396 control chromosomes. The available data on variant occurrences in the general population are insufficient to allow any conclusion about variant significance. c.4366C>T has been reported in the literature in individuals affected with Autism (Kaplanis_2020). These report(s) do not provide unequivocal conclusions about association of the variant with Neurodevelopmental Disorder With Speech Impairment And With Or Without Seizures. To our knowledge, no experimental evidence demonstrating an impact on protein function has been reported. The following publication have been ascertained in the context of this evaluation (PMID: 33057194). No submitters have cited clinical-significance assessments for this variant to ClinVar. Based on the evidence outlined above, the variant was classified as uncertain significance.

Literature cited by the submitters: PubMed 33057194.

NM_021096.4(CACNA1I):c.4366C>T (p.Arg1456Cys)

Gene: CACNA1I (calcium voltage-gated channel subunit alpha1 I; plus strand). Cytogenetic location: 22q13.1.
Variant type: single nucleotide variant.
Coding change: c.4366C>T on transcript NM_021096.4 (MANE Select); coding-DNA position 4366, C replaced by T.
Protein change: p.Arg1456Cys; replaces arginine 1456 with cysteine.
Molecular consequence: missense variant.
Genome position (GRCh38, 1-based): chr22:39,670,209, C>T. VCF-style: chr22-39670209-C-T. GRCh37 (hg19) VCF-style: chr22-40066214-C-T.
Other names: c.4261C>T, p.Arg1421Cys (NM_001003406.2); short protein forms R1421C, R1456C.
Identifiers: ClinVar variation 3366697 (VCV003366697.1).
Genomic context (GRCh38, chr22:39,670,209, plus strand): 5'-AAGTGCCGGCAGCACCAGGAGGCTGAAGAGGCACGGCGGCGTGAGGAGAAGCGGCTGCGG[C>T]GCCTGGAGAAGAAGCGCCGGAGTGAGTGGGTGCCTGTGGAGGGCGTGGGCCACCCAGCTC-3'
Protein context (NP_066919.2, residues 1446-1466): ARRREEKRLR[Arg1456Cys]LEKKRRKAQR